The following is an entry in ClinVar:

NM_000395.3(CSF2RB):c.1054G>A (p.Asp352Asn)

Gene: CSF2RB (colony stimulating factor 2 receptor subunit beta; plus strand). Cytogenetic location: 22q12.3.
Variant type: single nucleotide variant.
Coding change: c.1054G>A on transcript NM_000395.3 (MANE Select); coding-DNA position 1054, G replaced by A.
Protein change: p.Asp352Asn; replaces aspartic acid 352 with asparagine.
Molecular consequence: missense variant.
Genome position (GRCh38, 1-based): chr22:36,932,806, G>A. VCF-style: chr22-36932806-G-A. GRCh37 (hg19) VCF-style: chr22-37328848-G-A.
Other names: c.1072G>A, p.Asp358Asn (NM_001410827.1); short protein forms D352N, D358N.
Identifiers: ClinVar variation 4769166 (VCV004769166.1).
Genomic context (GRCh38, chr22:36,932,806, plus strand): 5'-AAAGCTTCCCTCCCTCCAGTCCAGATGGCCCCTCCATCCCTCAACGTGACCAAGGATGGA[G>A]ACAGCTACAGCCTGCGCTGGGAAACAATGAAAATGCGATACGAACACATAGACCACACAT-3'
Protein context (NP_000386.1, residues 342-362): PPSLNVTKDG[Asp352Asn]SYSLRWETMK

ClinVar aggregate classification (germline): Uncertain significance (1 of 4 stars; one submission).

Submission:

Labcorp Genetics (formerly Invitae), Labcorp
Classification: Uncertain significance. Last evaluated: 2025-12-02. Review status: criteria provided, single submitter. Criteria: Invitae Variant Classification Sherloc (09022015). Collection method: clinical testing. Allele origin: germline.
Comment: This sequence change replaces aspartic acid, which is acidic and polar, with asparagine, which is neutral and polar, at codon 352 of the CSF2RB protein (p.Asp352Asn). This variant is not present in population databases (gnomAD no frequency). This variant has not been reported in the literature in individuals affected with CSF2RB-related conditions. Invitae Evidence Modeling of protein sequence and biophysical properties (such as structural, functional, and spatial information, amino acid conservation, physicochemical variation, residue mobility, and thermodynamic stability) indicates that this missense variant is not expected to disrupt CSF2RB protein function with a negative predictive value of 80%. In summary, the available evidence is currently insufficient to determine the role of this variant in disease. Therefore, it has been classified as a Variant of Uncertain Significance.